The following is an entry in ClinVar:

NM_001077620.3(PRCD):c.88G>A (p.Val30Met)

Genes: CYGB (cytoglobin; minus strand), PRCD (photoreceptor disc component; plus strand). Cytogenetic location: 17q25.1.
Variant type: single nucleotide variant.
Coding change: c.88G>A on transcript NM_001077620.3 (MANE Select); coding-DNA position 88, G replaced by A.
Protein change: p.Val30Met; replaces valine 30 with methionine.
Molecular consequence: missense variant. On other transcripts: non-coding transcript variant (1).
Genome position (GRCh38, 1-based): chr17:76,540,518, G>A. VCF-style: chr17-76540518-G-A. GRCh37 (hg19) VCF-style: chr17-74536600-G-A.
Other names: short protein forms V30M.
Identifiers: ClinVar variation 1400851 (VCV001400851.5), dbSNP rs767439982, ClinGen allele CA8787909.
Genomic context (GRCh38, chr17:76,540,518, plus strand): 5'-GGCTGGGCACAGCCATAGCTCTTCCTCCCTACTCTTGCCTCCCACAGAGAGCCCAGCGAC[G>A]TGGATGGGGCAGCTAGGGGCAGCAGCTTGGATGCGGACCCTCAGTCCTCAGGCAGGTAAG-3'
Protein context (NP_001071088.1, residues 20-40): ANRVQPEPSD[Val30Met]DGAARGSSLD

ClinVar aggregate classification (germline): Uncertain significance. Review status: criteria provided, multiple submitters, no conflicts (2 of 4 stars). 2 submissions from 2 submitters: Uncertain significance (2). Last evaluated 2022-07-06.

Allele frequency attached by ClinVar (database versions not stated): gnomAD 0.00001; gnomAD exomes 0.00002 and 0.00004; TOPMed 0.00002; ExAC 0.00003.
gnomAD v4.1: 29 of 1,613,604 alleles (0.0018%); highest among the groups gnomAD compares: South Asian, 0.02%; no homozygotes.

Submissions (2):

Labcorp Genetics (formerly Invitae), Labcorp
Classification: Uncertain significance. Last evaluated: 2022-07-06. Review status: criteria provided, single submitter. Criteria: Invitae Variant Classification Sherloc (09022015). Collection method: clinical testing. Allele origin: germline.
Comment: This sequence change replaces valine, which is neutral and non-polar, with methionine, which is neutral and non-polar, at codon 30 of the PRCD protein (p.Val30Met). This variant is present in population databases (rs767439982, gnomAD 0.02%). This missense change has been observed in individual(s) with clinical features of retinitis pigmentosa (PMID: 16938425). ClinVar contains an entry for this variant (Variation ID: 1400851). Algorithms developed to predict the effect of missense changes on protein structure and function output the following: SIFT: "Tolerated"; PolyPhen-2: "Possibly Damaging"; Align-GVGD: "Class C0". The methionine amino acid residue is found in multiple mammalian species, which suggests that this missense change does not adversely affect protein function. In summary, the available evidence is currently insufficient to determine the role of this variant in disease. Therefore, it has been classified as a Variant of Uncertain Significance.

Blueprint Genetics
Classification: Uncertain significance. Last evaluated: 2021-04-26. Review status: criteria provided, single submitter. Criteria: ACMG Guidelines, 2015. Collection method: clinical testing. Allele origin: germline.

Literature cited by the submitters: PubMed 16938425 (cited by Labcorp Genetics (formerly Invitae), Labcorp).